The following is an entry in ClinVar:

ClinVar aggregate classification (germline): Uncertain significance (1 of 4 stars; one submission).

gnomAD v4.1: 9 of 1,613,884 alleles (0.00056%); highest among the groups gnomAD compares: South Asian, 0.0011%; no homozygotes.

Submission:

Labcorp Genetics (formerly Invitae), Labcorp
Classification: Uncertain significance. Last evaluated: 2025-06-17. Review status: criteria provided, single submitter. Criteria: Invitae Variant Classification Sherloc (09022015). Collection method: clinical testing. Allele origin: germline.
Comment: This sequence change replaces proline, which is neutral and non-polar, with serine, which is neutral and polar, at codon 646 of the VCAN protein (p.Pro646Ser). The frequency data for this variant in the population databases is considered unreliable, as metrics indicate poor data quality at this position in the gnomAD database. This variant has not been reported in the literature in individuals affected with VCAN-related conditions. ClinVar contains an entry for this variant (Variation ID: 3604229). An algorithm developed to predict the effect of missense changes on protein structure and function outputs the following: PolyPhen-2: "Benign". The serine amino acid residue is found in multiple mammalian species, which suggests that this missense change does not adversely affect protein function. In summary, the available evidence is currently insufficient to determine the role of this variant in disease. Therefore, it has been classified as a Variant of Uncertain Significance.

NM_004385.5(VCAN):c.1936C>T (p.Pro646Ser)

Gene: VCAN (versican; plus strand). Cytogenetic location: 5q14.3.
Variant type: single nucleotide variant.
Coding change: c.1936C>T on transcript NM_004385.5 (MANE Select); coding-DNA position 1936, C replaced by T.
Protein change: p.Pro646Ser; replaces proline 646 with serine.
Molecular consequence: missense variant. On other transcripts: intron variant (2).
Genome position (GRCh38, 1-based): chr5:83,520,242, C>T. VCF-style: chr5-83520242-C-T. GRCh37 (hg19) VCF-style: chr5-82816061-C-T.
Other names: c.1936C>T, p.Pro646Ser (NM_001164098.2); c.1042+7846C>T (NM_001164097.2, NM_001126336.3); short protein forms P646S.
Identifiers: ClinVar variation 3604229 (VCV003604229.2).
Genomic context (GRCh38, chr5:83,520,242, plus strand): 5'-CAAACTAGTGGTAGGATAACGGAAGAGTTTCTTGGCAAATATCTGTCTACTACACCTTTT[C>T]CATCACAGCATCGTACAGAAATAGAATTGTTTCCTTATTCTGGTGATAAAATATTAGTAG-3'
Protein context (NP_004376.2, residues 636-656): LGKYLSTTPF[Pro646Ser]SQHRTEIELF